The following is an entry in ClinVar:

ClinVar aggregate classification (germline): Benign (1 of 4 stars; one submission).

Conditions:
BAP1-related tumor predisposition syndrome (TPDS1). Also called: BAP1 tumor predisposition syndrome; Tumor susceptibility linked to germline BAP1 mutations; COMMON Syndrome; TUMOR PREDISPOSITION SYNDROME 1. Identifiers: Orphanet 289539, MedGen C3280492, MONDO:0013692, OMIM 614327.

Submission:

Myriad Genetics, Inc.
Classification: Benign for BAP1-related tumor predisposition syndrome. Last evaluated: 2024-07-11. Review status: criteria provided, single submitter. Criteria: Myriad Autosomal Dominant, Autosomal Recessive and X-Linked Classification Criteria (2023). Collection method: clinical testing. Allele origin: unknown.
Comment: This variant is considered benign. This variant is a silent/synonymous amino acid change and it is not expected to impact splicing.

NM_004656.4(BAP1):c.69T>C (p.Gly23=)

Gene: BAP1 (BRCA1 associated deubiquitinase 1; minus strand). Cytogenetic location: 3p21.1.
Variant type: single nucleotide variant.
Coding change: c.69T>C on transcript NM_004656.4 (MANE Select); coding-DNA position 69, T replaced by C.
Protein change: p.Gly23=; no amino-acid change (glycine 23 retained).
Molecular consequence: synonymous variant.
Genome position (GRCh38, 1-based): chr3:52,409,607, A>G on the plus strand (T>C on the coding strand, the complement: BAP1 is on the minus strand). VCF-style: chr3-52409607-A-G. GRCh37 (hg19) VCF-style: chr3-52443623-A-G.
Other names: c.69T>C, p.Gly23= (NM_001410772.1).
Identifiers: ClinVar variation 3379170 (VCV003379170.1).